The following is an entry in ClinVar:

NM_024422.6(DSC2):c.1634A>G (p.Tyr545Cys)

Gene: DSC2 (desmocollin 2; minus strand). Cytogenetic location: 18q12.1.
Variant type: single nucleotide variant.
Coding change: c.1634A>G on transcript NM_024422.6 (MANE Select); coding-DNA position 1634, A replaced by G.
Protein change: p.Tyr545Cys; replaces tyrosine 545 with cysteine.
Molecular consequence: missense variant.
Genome position (GRCh38, 1-based): chr18:31,079,876, T>C on the plus strand (A>G on the coding strand, the complement: DSC2 is on the minus strand). VCF-style: chr18-31079876-T-C. GRCh37 (hg19) VCF-style: chr18-28659842-T-C.
Other names: c.1634A>G, p.Tyr545Cys (NM_004949.5); short protein forms Y545C.
Identifiers: ClinVar variation 658013 (VCV000658013.35), dbSNP rs776917359, ClinGen allele CA032410.

ClinVar aggregate classification (germline): Uncertain significance. Review status: criteria provided, multiple submitters, no conflicts (2 of 4 stars). 6 submissions from 6 submitters: Uncertain significance (6). Last evaluated 2026-03-16.

Conditions:
Cardiomyopathy (CMYO). Also called: Cardiomyopathies. Identifiers: Orphanet 167848, MedGen C0878544, MONDO:0004994, HP:0001638. Inheritance: Various modes of inheritance.
Arrhythmogenic right ventricular dysplasia 11. Also called: Arrhythmogenic Right Ventricular Dysplasia/Cardiomyopathy11; ARRHYTHMOGENIC RIGHT VENTRICULAR DYSPLASIA, FAMILIAL, 11; Arrhythmogenic right ventricular dysplasia 11 with mild palmoplantar keratoderma and woolly hair. Identifiers: MedGen C1864850, MONDO:0012506, OMIM 610476.
Familial isolated arrhythmogenic right ventricular dysplasia. Identifiers: Orphanet 217656, MedGen C4274968, MONDO:0016342.

Allele frequency attached by ClinVar (database versions not stated): gnomAD 0.00001; gnomAD exomes 0.00001 and 0.00003; TOPMed 0.00003; ExAC 0.00005.
gnomAD v4.1: 24 of 1,613,880 alleles (0.0015%); highest among the groups gnomAD compares: Middle Eastern, 0.049%; no homozygotes.

Submissions (6):

Women's Health and Genetics/Laboratory Corporation of America, LabCorp
Classification: Uncertain significance. Last evaluated: 2026-03-16. Review status: criteria provided, single submitter. Criteria: LabCorp Variant Classification Summary - May 2015. Collection method: clinical testing. Allele origin: germline.
Comment: Variant summary: DSC2 c.1634A>G (p.Tyr545Cys) results in a non-conservative amino acid change in the encoded protein sequence. Algorithms developed to predict the effect of missense changes on protein structure and function are either unavailable or do not agree on the potential impact of this missense change. The variant allele was found at a frequency of 3.2e-05 in 251172 control chromosomes. The available data on variant occurrences in the general population are insufficient to allow any conclusion about variant significance. c.1634A>G has been observed in individual(s) affected with dilated cardiomyopathy (e.g. Haas_2014). These report(s) do not provide unequivocal conclusions about association of the variant with Arrhythmia. To our knowledge, no experimental evidence demonstrating an impact on protein function has been reported. The following publication has been ascertained in the context of this evaluation (PMID: 25163546). ClinVar contains an entry for this variant (Variation ID: 658013). Based on the evidence outlined above, the variant was classified as uncertain significance.

Labcorp Genetics (formerly Invitae), Labcorp
Classification: Uncertain significance for Arrhythmogenic right ventricular dysplasia 11. Last evaluated: 2026-01-20. Review status: criteria provided, single submitter. Criteria: Invitae Variant Classification Sherloc (09022015). Collection method: clinical testing. Allele origin: germline.
Comment: This sequence change replaces tyrosine, which is neutral and polar, with cysteine, which is neutral and slightly polar, at codon 545 of the DSC2 protein (p.Tyr545Cys). This variant is present in population databases (rs776917359, gnomAD 0.007%). This missense change has been observed in individual(s) with dilated cardiomyopathy (PMID: 25163546). ClinVar contains an entry for this variant (Variation ID: 658013). Invitae Evidence Modeling of protein sequence and biophysical properties (such as structural, functional, and spatial information, amino acid conservation, physicochemical variation, residue mobility, and thermodynamic stability) indicates that this missense variant is not expected to disrupt DSC2 protein function with a negative predictive value of 80%. In summary, the available evidence is currently insufficient to determine the role of this variant in disease. Therefore, it has been classified as a Variant of Uncertain Significance.

Color Diagnostics, LLC DBA Color Health
Classification: Uncertain significance for Cardiomyopathy. Last evaluated: 2025-06-24. Review status: criteria provided, single submitter. Criteria: ACMG Guidelines, 2015. Collection method: clinical testing. Allele origin: germline.
Comment: This missense variant replaces tyrosine with cysteine at codon 545 of the DSC2 protein. Computational prediction suggests that this variant may not impact protein structure and function. To our knowledge, functional studies have not been reported for this variant. This variant has been reported in an individual affected with dilated cardiomyopathy (PMID: 25163546). This variant has been identified in 8/251172 chromosomes in the general population by the Genome Aggregation Database (gnomAD). The available evidence is insufficient to determine the role of this variant in disease conclusively. Therefore, this variant is classified as a Variant of Uncertain Significance.

All of Us Research Program, National Institutes of Health
Classification: Uncertain significance for Familial isolated arrhythmogenic right ventricular dysplasia. Last evaluated: 2024-09-23. Review status: criteria provided, single submitter. Criteria: ACMG Guidelines, 2015. Collection method: clinical testing. Allele origin: germline. Inheritance: Autosomal dominant inheritance. Observed: 11 variant alleles, 11 heterozygotes.
Comment: This missense variant replaces tyrosine with cysteine at codon 545 of the DSC2 protein. Computational prediction suggests that this variant may not impact protein structure and function (internally defined REVEL score threshold <= 0.5, PMID: 27666373). To our knowledge, functional studies have not been reported for this variant. This variant has been reported in an individual affected with dilated cardiomyopathy (PMID: 25163546). This variant has been identified in 8/251172 chromosomes in the general population by the Genome Aggregation Database (gnomAD). The available evidence is insufficient to determine the role of this variant in disease conclusively. Therefore, this variant is classified as a Variant of Uncertain Significance.

This study involves interpretation of variants in research participants for the purpose of population health screening. Participant phenotype was not available at the time of variant classification. Additional details can be found in publication PMID: 35346344, PMCID: PMC8962531

CeGaT Center for Human Genetics Tuebingen
Classification: Uncertain significance. Last evaluated: 2024-01-01. Review status: criteria provided, single submitter. Criteria: CeGaT Center For Human Genetics Tuebingen Variant Classification Criteria Version 2. Collection method: clinical testing. Allele origin: germline. Affected: yes. Observed: 1 variant allele.
Comment: DSC2: PM2

GeneDx
Classification: Uncertain significance. Last evaluated: 2023-09-22. Review status: criteria provided, single submitter. Criteria: GeneDx Variant Classification Process June 2021. Collection method: clinical testing. Allele origin: germline. Affected: yes.
Comment: Reported in association with DCM; however, no additional information was provided (Haas et al., 2015); In silico analysis supports that this missense variant has a deleterious effect on protein structure/function; This variant is associated with the following publications: (PMID: 25163546)

Literature cited by the submitters: PubMed 25163546 (cited by 4 submitters); PubMed 40008663 (cited by Women's Health and Genetics/Laboratory Corporation of America, LabCorp).